The following is an entry in ClinVar:

NM_001963.6(EGF):c.2223A>G (p.Gly741=)

Genes: EGF (epidermal growth factor; plus strand), LOC126807134 (BRD4-independent group 4 enhancer GRCh37_chr4:110900995-110902194; plus strand). Cytogenetic location: 4q25.
Variant type: single nucleotide variant.
Coding change: c.2223A>G on transcript NM_001963.6 (MANE Select); coding-DNA position 2223, A replaced by G.
Protein change: p.Gly741=; no amino-acid change (glycine 741 retained).
Molecular consequence: synonymous variant.
Genome position (GRCh38, 1-based): chr4:109,980,827, A>G. VCF-style: chr4-109980827-A-G. GRCh37 (hg19) VCF-style: chr4-110901983-A-G.
Other names: c.2223A>G, p.Gly741= (NM_001178130.3); c.2097A>G, p.Gly699= (NM_001178131.3, NM_001357021.2); c.2223A>G (NM_001963.5).
Identifiers: ClinVar variation 901213 (VCV000901213.14), dbSNP rs141644661, ClinGen allele CA3043914.
Genomic context (GRCh38, chr4:109,980,827, plus strand): 5'-TTAATGGCATCCTTTTCATCTTCAAACCCACTTGTGAATTTGTTTCTTTTCTCTACTAGG[A>G]GCAGATCCCTGCTTATATCAAAACGGAGGCTGTGAACATATTTGCAAAAAGAGGCTTGGA-3'
Protein context (NP_001954.2, residues 731-751): LVVVHPLAKP[Gly741=]ADPCLYQNGG

ClinVar aggregate classification (germline): Conflicting classifications of pathogenicity. Review status: criteria provided, conflicting classifications (1 of 4 stars). 4 submissions from 4 submitters: Uncertain significance (1); Benign (1); Likely benign (1). 1 of the submissions does not count toward it. Last evaluated 2026-01-08.

Conditions:
EGF-related disorder. Also called: EGF-related condition.
Renal hypomagnesemia 4. Also called: HYPOMAGNESEMIA, RENAL, NORMOCALCIURIC. Identifiers: Orphanet 34527, MedGen C2673648, MONDO:0012717, OMIM 611718.

Allele frequency attached by ClinVar (database versions not stated): 1000 Genomes Project 0.00020; 1000 Genomes Project 30x 0.00031; TOPMed 0.00058; ESP Exome Variant Server 0.00062; gnomAD exomes 0.00067 and 0.00082; ExAC 0.00078; gnomAD 0.00096 and 0.00097.
gnomAD v4.1: 1,125 of 1,613,970 alleles (0.07%); highest among the groups gnomAD compares: Non-Finnish European, 0.069%; 5 homozygotes.

Submissions (4):

Labcorp Genetics (formerly Invitae), Labcorp
Classification: Benign. Last evaluated: 2026-01-08. Review status: criteria provided, single submitter. Criteria: Invitae Variant Classification Sherloc (09022015). Collection method: clinical testing. Allele origin: germline.

Blueprint Genetics
Classification: Likely benign. Last evaluated: 2024-11-01. Review status: criteria provided, single submitter. Criteria: ACMG Guidelines, 2015. Collection method: clinical testing. Allele origin: germline.

Illumina Laboratory Services, Illumina
Classification: Uncertain significance for Renal hypomagnesemia 4. Last evaluated: 2018-01-13. Review status: criteria provided, single submitter. Criteria: ICSL Variant Classification Criteria 13 December 2019. Collection method: clinical testing. Allele origin: germline.

PreventionGenetics, part of Exact Sciences
Classification: Likely benign for EGF-related condition. Last evaluated: 2024-08-29. Review status: no assertion criteria provided. Collection method: clinical testing. Allele origin: germline. Not counted in ClinVar's aggregate classification.
Comment: This variant is classified as likely benign based on ACMG/AMP sequence variant interpretation guidelines (Richards et al. 2015 PMID: 25741868, with internal and published modifications).